The following is an entry in ClinVar:

ClinVar aggregate classification (germline): Benign. Review status: criteria provided, single submitter (1 of 4 stars). 2 submissions from 1 submitter: Benign (2). Last evaluated 2018-01-12.

Conditions:
Brain small vessel disease 1 with or without ocular anomalies (BSVD1). Also called: BRAIN SMALL VESSEL DISEASE WITH HEMORRHAGE; GOULD SYNDROME 1; PORENCEPHALY, TYPE 1, AUTOSOMAL DOMINANT; Brain small vessel disease with or without ocular anomalies. Identifiers: Orphanet 2940, Orphanet 36383, Orphanet 99810, MedGen C4755307, MONDO:0008289, OMIM 175780.
Autosomal dominant familial hematuria-retinal arteriolar tortuosity-contractures syndrome. Also called: Angiopathy, hereditary, with nephropathy, aneurysms, and muscle cramps; Hereditary Angiopathy with Nephropathy, Aneurysms, and Muscle Cramps (HANAC) Syndrome. Identifiers: Orphanet 73229, MedGen C2673195, MONDO:0012726, OMIM 611773.

Allele frequency attached by ClinVar (database versions not stated): 1000 Genomes Project 30x 0.00094; TOPMed 0.00196; gnomAD 0.00234 and 0.00235; gnomAD exomes 0.00289; 1000 Genomes Project 0.00080.
gnomAD v4.1: 1,874 of 682,364 alleles (0.27%); highest among the groups gnomAD compares: Non-Finnish European, 0.36%; 9 homozygotes.

Submissions (2):

Illumina Laboratory Services, Illumina
Classification: Benign for Brain small vessel disease 1 with or without ocular anomalies. Last evaluated: 2018-01-12. Review status: criteria provided, single submitter. Criteria: ICSL Variant Classification Criteria 13 December 2019. Collection method: clinical testing. Allele origin: germline.
Comment: This variant was observed in the ICSL laboratory as part of a predisposition screen in an ostensibly healthy population. It had not been previously curated by ICSL or reported in the Human Gene Mutation Database (HGMD: prior to June 1st, 2018), and was therefore a candidate for classification through an automated scoring system. Utilizing variant allele frequency, disease prevalence and penetrance estimates, and inheritance mode, an automated score was calculated to assess if this variant is too frequent to cause the disease. Based on the score and internal cut-off values, a variant classified as benign is not then subjected to further curation. The score for this variant resulted in a classification of benign for this disease.

Illumina Laboratory Services, Illumina
Classification: Benign for Autosomal dominant familial hematuria-retinal arteriolar tortuosity-contractures syndrome. Last evaluated: 2018-01-12. Review status: criteria provided, single submitter. Criteria: ICSL Variant Classification Criteria 13 December 2019. Collection method: clinical testing. Allele origin: germline.
Comment: the same text as in the submission from Illumina Laboratory Services, Illumina above.

NM_001845.6(COL4A1):c.*176A>G

Gene: COL4A1 (collagen type IV alpha 1 chain; minus strand). Cytogenetic location: 13q34.
Variant type: single nucleotide variant.
Coding change: c.*176A>G on transcript NM_001845.6 (MANE Select); 176 bases downstream of the stop codon, A replaced by G.
Molecular consequence: 3 prime UTR variant.
Genome position (GRCh38, 1-based): chr13:110,150,187, T>C on the plus strand (A>G on the coding strand, the complement: COL4A1 is on the minus strand). VCF-style: chr13-110150187-T-C. GRCh37 (hg19) VCF-style: chr13-110802534-T-C.
Identifiers: ClinVar variation 311016 (VCV000311016.8), dbSNP rs11545877, ClinGen allele CA10643718.